The following is an entry in ClinVar:

ClinVar aggregate classification (germline): Uncertain significance (1 of 4 stars; one submission).

Conditions:
Cardiomyopathy (CMYO). Also called: Cardiomyopathies. Identifiers: Orphanet 167848, MedGen C0878544, MONDO:0004994, HP:0001638. Inheritance: Various modes of inheritance.

Submission:

Color Diagnostics, LLC DBA Color Health
Classification: Uncertain significance for Cardiomyopathy. Last evaluated: 2025-07-14. Review status: criteria provided, single submitter. Criteria: ACMG Guidelines, 2015. Collection method: clinical testing. Allele origin: germline.
Comment: This missense variant replaces isoleucine with leucine at codon 675 of the DSP protein. Computational prediction suggests that this variant may not impact protein structure and function. To our knowledge, functional studies have not been reported for this variant. This variant has not been reported in individuals affected with DSP-related disorders in the literature. This variant has not been identified in the general population by the Genome Aggregation Database (gnomAD). The available evidence is insufficient to determine the role of this variant in disease conclusively. Therefore, this variant is classified as a Variant of Uncertain Significance.

NM_004415.4(DSP):c.2023A>C (p.Ile675Leu)

Gene: DSP (desmoplakin; plus strand). Cytogenetic location: 6p24.3.
Variant type: single nucleotide variant.
Coding change: c.2023A>C on transcript NM_004415.4 (MANE Select); coding-DNA position 2023, A replaced by C.
Protein change: p.Ile675Leu; replaces isoleucine 675 with leucine.
Molecular consequence: missense variant.
Genome position (GRCh38, 1-based): chr6:7,571,961, A>C. VCF-style: chr6-7571961-A-C. GRCh37 (hg19) VCF-style: chr6-7572194-A-C.
Other names: c.2023A>C, p.Ile675Leu (NM_001008844.3, NM_001319034.2); short protein forms I675L.
Identifiers: ClinVar variation 4758890 (VCV004758890.1).